The following is an entry in ClinVar:

NM_017654.4(SAMD9):c.3935A>G (p.Glu1312Gly)

Gene: SAMD9 (sterile alpha motif domain containing 9; minus strand). Cytogenetic location: 7q21.2.
Variant type: single nucleotide variant.
Coding change: c.3935A>G on transcript NM_017654.4 (MANE Select); coding-DNA position 3935, A replaced by G.
Protein change: p.Glu1312Gly; replaces glutamic acid 1312 with glycine.
Molecular consequence: missense variant.
Genome position (GRCh38, 1-based): chr7:93,102,163, T>C on the plus strand (A>G on the coding strand, the complement: SAMD9 is on the minus strand). VCF-style: chr7-93102163-T-C. GRCh37 (hg19) VCF-style: chr7-92731476-T-C.
Other names: c.3935A>G, p.Glu1312Gly (NM_001193307.2); short protein forms E1312G.
Identifiers: ClinVar variation 2090312 (VCV002090312.4), dbSNP rs765018539, ClinGen allele CA161989802.

ClinVar aggregate classification (germline): Uncertain significance (1 of 4 stars; one submission).

gnomAD v4.1: 1 of 1,613,638 alleles (0.000062%); highest among the groups gnomAD compares: Non-Finnish European, 0.000085%; no homozygotes.

Submission:

Labcorp Genetics (formerly Invitae), Labcorp
Classification: Uncertain significance. Last evaluated: 2025-12-15. Review status: criteria provided, single submitter. Criteria: Invitae Variant Classification Sherloc (09022015). Collection method: clinical testing. Allele origin: germline.
Comment: This sequence change replaces glutamic acid, which is acidic and polar, with glycine, which is neutral and non-polar, at codon 1312 of the SAMD9 protein (p.Glu1312Gly). This variant is present in population databases (no rsID available, gnomAD 0.0009%). This variant has not been reported in the literature in individuals affected with SAMD9-related conditions. ClinVar contains an entry for this variant (Variation ID: 2090312). Invitae Evidence Modeling of protein sequence and biophysical properties (such as structural, functional, and spatial information, amino acid conservation, physicochemical variation, residue mobility, and thermodynamic stability) indicates that this missense variant is not expected to disrupt SAMD9 protein function with a negative predictive value of 95%. In summary, the available evidence is currently insufficient to determine the role of this variant in disease. Therefore, it has been classified as a Variant of Uncertain Significance.